The following is an entry in ClinVar:

NM_001276309.3(NOL3):c.*22G>T

Gene: NOL3 (nucleolar protein 3; plus strand). Cytogenetic location: 16q22.1.
Variant type: single nucleotide variant.
Coding change: c.*22G>T on transcript NM_001276309.3 (MANE Select); 22 bases downstream of the stop codon, G replaced by T.
Molecular consequence: 3 prime UTR variant. On other transcripts: synonymous variant (8).
Genome position (GRCh38, 1-based): chr16:67,175,076, G>T. VCF-style: chr16-67175076-G-T. GRCh37 (hg19) VCF-style: chr16-67208979-G-T.
Other names: c.639G>T, p.Arg213= (NM_001185057.3, NM_001394977.1, NM_001394978.1); c.*22G>T (NM_001276307.3, NM_001276312.3, NM_001394973.1 and 1 more transcripts); c.525G>T, p.Arg175= (NM_001276311.2, NM_001394974.1, NM_001394975.1 and 1 more transcripts); c.651G>T, p.Arg217= (NM_001394979.1).
Identifiers: ClinVar variation 3053872 (VCV003053872.3), dbSNP rs745782808, ClinGen allele CA8102443.
Genomic context (GRCh38, chr16:67,175,076, plus strand): 5'-CCTCTTTGACCACTGTTCCCGTCATCTCTAGATTCCTGAAGGCCAGAGCTCTGACAGGCG[G>T]TGCCCCGCCCATGCTGGATAGGACCTGGGATGCTGCTGGAGCTGAATCGGATGCCACCAA-3'

ClinVar aggregate classification (germline): Likely benign. Review status: criteria provided, single submitter (1 of 4 stars). 2 submissions from 2 submitters: Likely benign (1). 1 of the submissions does not count toward it. Last evaluated 2023-10-30.

Conditions:
NOL3-related disorder. Also called: NOL3-related condition.

Allele frequency attached by ClinVar (database versions not stated): gnomAD exomes 0.00001; ExAC 0.00002.
gnomAD v4.1: 19 of 1,614,250 alleles (0.0012%); highest among the groups gnomAD compares: Middle Eastern, 0.016%; no homozygotes.

Submissions (2):

Blueprint Genetics
Classification: Likely benign. Last evaluated: 2023-10-30. Review status: criteria provided, single submitter. Criteria: ACMG Guidelines, 2015. Collection method: clinical testing. Allele origin: germline.

PreventionGenetics, part of Exact Sciences
Classification: Likely benign for NOL3-related condition. Last evaluated: 2019-08-15. Review status: no assertion criteria provided. Collection method: clinical testing. Allele origin: germline. Not counted in ClinVar's aggregate classification.
Comment: This variant is classified as likely benign based on ACMG/AMP sequence variant interpretation guidelines (Richards et al. 2015 PMID: 25741868, with internal and published modifications).